The following is an entry in ClinVar:

NM_001384140.1(PCDH15):c.1509T>G (p.Asn503Lys)

Gene: PCDH15 (protocadherin related 15; minus strand). Cytogenetic location: 10q21.1.
Variant type: single nucleotide variant.
Coding change: c.1509T>G on transcript NM_001384140.1 (MANE Select); coding-DNA position 1509, T replaced by G.
Protein change: p.Asn503Lys; replaces asparagine 503 with lysine.
Molecular consequence: missense variant.
Genome position (GRCh38, 1-based): chr10:54,183,525, A>C on the plus strand (T>G on the coding strand, the complement: PCDH15 is on the minus strand). VCF-style: chr10-54183525-A-C. GRCh37 (hg19) VCF-style: chr10-55943285-A-C.
Other names: c.1524T>G, p.Asn508Lys (NM_001142763.2, NM_001142771.2); c.1509T>G, p.Asn503Lys (NM_001142764.2, NM_001142765.2, NM_001142766.2 and 6 more transcripts); c.1398T>G, p.Asn466Lys (NM_001142767.2); c.1443T>G, p.Asn481Lys (NM_001142768.2, NM_001142773.2, NM_001354404.2); c.1545T>G, p.Asn515Lys (NM_001142769.4); c.1530T>G, p.Asn510Lys (NM_001354411.2); short protein forms N466K, N481K, N503K, N508K, N510K, N515K.
Identifiers: ClinVar variation 2413288 (VCV002413288.3), dbSNP rs1441257534, ClinGen allele CA376514620.
Genomic context (GRCh38, chr10:54,183,525, plus strand): 5'-TCTCATGTCTGTATAAACATACACATCATAGGATATTTCAGGGAAGGTTGGCGTGTTATC[A>C]TTTGCATCCATCACTTGAATATTGACGATGACTGGCTCACTTTCTTGTACACCATCAAAT-3'
Protein context (NP_001371069.1, residues 493-513): VIVNIQVMDA[Asn503Lys]DNTPTFPEIS

ClinVar aggregate classification (germline): Uncertain significance (1 of 4 stars; one submission).

Allele frequency attached by ClinVar (database versions not stated): TOPMed 0.00001.
gnomAD v4.1: 9 of 1,613,774 alleles (0.00056%); highest among the groups gnomAD compares: African/African-American, 0.0027%; no homozygotes.

Submission:

Labcorp Genetics (formerly Invitae), Labcorp
Classification: Uncertain significance. Last evaluated: 2022-05-16. Review status: criteria provided, single submitter. Criteria: Invitae Variant Classification Sherloc (09022015). Collection method: clinical testing. Allele origin: germline.
Comment: This sequence change replaces asparagine, which is neutral and polar, with lysine, which is basic and polar, at codon 503 of the PCDH15 protein (p.Asn503Lys). This variant is not present in population databases (gnomAD no frequency). This variant has not been reported in the literature in individuals affected with PCDH15-related conditions. Algorithms developed to predict the effect of missense changes on protein structure and function are either unavailable or do not agree on the potential impact of this missense change (SIFT: "Deleterious"; PolyPhen-2: "Probably Damaging"; Align-GVGD: "Class C0"). In summary, the available evidence is currently insufficient to determine the role of this variant in disease. Therefore, it has been classified as a Variant of Uncertain Significance.